The following is an entry in ClinVar:

ClinVar aggregate classification (germline): Uncertain significance (1 of 4 stars; one submission).

Allele frequency attached by ClinVar (database versions not stated): gnomAD exomes below 0.00001 and 0.00001; TOPMed below 0.00001; ExAC 0.00001; gnomAD 0.00001.
gnomAD v4.1: 7 of 1,606,566 alleles (0.00044%); highest among the groups gnomAD compares: Admixed American, 0.0017%; no homozygotes.

Submission:

CeGaT Center for Human Genetics Tuebingen
Classification: Uncertain significance. Last evaluated: 2022-06-01. Review status: criteria provided, single submitter. Criteria: CeGaT Center For Human Genetics Tuebingen Variant Classification Criteria Version 2. Collection method: clinical testing. Allele origin: germline. Affected: yes. Observed: 1 variant allele.
Comment: SOX10: PP3

NM_006941.4(SOX10):c.1190G>A (p.Arg397His)

Genes: POLR2F (RNA polymerase II, I and III subunit F; plus strand), SOX10 (SRY-box transcription factor 10; minus strand). Cytogenetic location: 22q13.1.
Variant type: single nucleotide variant.
Coding change: c.1190G>A on transcript NM_006941.4 (MANE Select); coding-DNA position 1190, G replaced by A.
Protein change: p.Arg397His; replaces arginine 397 with histidine.
Molecular consequence: missense variant. On other transcripts: intron variant (3).
Genome position (GRCh38, 1-based): chr22:37,973,706, C>T on the plus strand (G>A on the coding strand, the complement: SOX10 is on the minus strand). VCF-style: chr22-37973706-C-T. GRCh37 (hg19) VCF-style: chr22-38369713-C-T.
Other names: c.*38+1396C>T (NM_001363825.1); c.293+6536C>T (NM_001301130.2, NM_001301131.2); short protein forms R397H.
Identifiers: ClinVar variation 1695045 (VCV001695045.28), dbSNP rs776714565, ClinGen allele CA10228514.
Genomic context (GRCh38, chr22:37,973,706, plus strand): 5'-TGGCCCGAGTGGCCATAATAGGGTCCTGAGGGCTGATGGTCAGAGTAGTCAAACTGGGGG[C>T]GGGAGATGGAGGGGAAGGCTGAGCCATAGTGGGGCAGGCTGAGGGAGGTGTAGGCGATCT-3'
Protein context (NP_008872.1, residues 387-407): HYGSAFPSIS[Arg397His]PQFDYSDHQP